The following is an entry in ClinVar:

NM_006420.3(ARFGEF2):c.2815-7G>A

Gene: ARFGEF2 (ARF guanine nucleotide exchange factor 2; plus strand). Cytogenetic location: 20q13.13.
Variant type: single nucleotide variant.
Coding change: c.2815-7G>A on transcript NM_006420.3 (MANE Select); 7 bases into the intron before coding-DNA position 2815, G replaced by A.
Molecular consequence: intron variant.
Genome position (GRCh38, 1-based): chr20:48,991,033, G>A. VCF-style: chr20-48991033-G-A. GRCh37 (hg19) VCF-style: chr20-47607570-G-A.
Other names: p.?.
Identifiers: ClinVar variation 128435 (VCV000128435.26), dbSNP rs187176143, ClinGen allele CA230897.
Genomic context (GRCh38, chr20:48,991,033, plus strand): 5'-CTGCAGATGTGAGAATGGCCACACTAAGGTTGGAGTCACAGTGTTCTCTCTTGGGTTTCT[G>A]TTACAGCTGGAACGAGATGCCTATGTTCAGGCTCTTGCTCGCTTCTCCCTACTCACAGCC-3'

ClinVar aggregate classification (germline): Conflicting classifications of pathogenicity. Review status: criteria provided, conflicting classifications (1 of 4 stars). 6 submissions from 6 submitters: Uncertain significance (2); Benign (3); Likely benign (1). Last evaluated 2026-08-01.

Conditions:
Periventricular heterotopia with microcephaly, autosomal recessive (ARPHM). Also called: PERIVENTRICULAR NODULAR HETEROTOPIA 2; Periventricular heterotopia with microcephaly. Identifiers: Orphanet 2149, MedGen C1842563, MONDO:0011966, OMIM 608097.

Allele frequency attached by ClinVar (database versions not stated): gnomAD 0.00034; gnomAD exomes 0.00049 and 0.00252; 1000 Genomes Project 0.00060; 1000 Genomes Project 30x 0.00078; TOPMed 0.00103; ExAC 0.00210.
gnomAD v4.1: 741 of 1,613,476 alleles (0.046%); highest among the groups gnomAD compares: Admixed American, 1.2%; 12 homozygotes.

Submissions (6):

CeGaT Center for Human Genetics Tuebingen
Classification: Likely benign. Last evaluated: 2026-08-01. Review status: criteria provided, single submitter. Criteria: CeGaT Center For Human Genetics Tuebingen Variant Classification Criteria Version 2. Collection method: clinical testing. Allele origin: germline. Affected: yes. Observed: 5 variant alleles.
Comment: ARFGEF2: BP4, BS1

Labcorp Genetics (formerly Invitae), Labcorp
Classification: Benign. Last evaluated: 2026-01-15. Review status: criteria provided, single submitter. Criteria: Invitae Variant Classification Sherloc (09022015). Collection method: clinical testing. Allele origin: germline.

Mayo Clinic Laboratories, Mayo Clinic
Classification: Benign. Last evaluated: 2020-07-07. Review status: criteria provided, single submitter. Criteria: ACMG Guidelines, 2015. Collection method: clinical testing. Allele origin: germline. Observed: 2 variant alleles.

Illumina Laboratory Services, Illumina
Classification: Uncertain significance for Periventricular heterotopia with microcephaly, autosomal recessive. Last evaluated: 2018-01-13. Review status: criteria provided, single submitter. Criteria: ICSL Variant Classification Criteria 13 December 2019. Collection method: clinical testing. Allele origin: germline.

GeneDx
Classification: Benign. Last evaluated: 2016-10-06. Review status: criteria provided, single submitter. Criteria: GeneDx Variant Classification (06012015). Collection method: clinical testing. Allele origin: germline. Affected: yes.
Comment: This variant is considered likely benign or benign based on one or more of the following criteria: it is a conservative change, it occurs at a poorly conserved position in the protein, it is predicted to be benign by multiple in silico algorithms, and/or has population frequency not consistent with disease.

Genetic Services Laboratory, University of Chicago
Classification: Uncertain significance. Last evaluated: 2012-11-29. Review status: criteria provided, single submitter. Criteria: ACMG Guidelines, 2007. Collection method: clinical testing. Allele origin: germline. Inheritance: Autosomal recessive inheritance.